The following is an entry in ClinVar:

ClinVar aggregate classification (germline): Uncertain significance. Review status: criteria provided, multiple submitters, no conflicts (2 of 4 stars). 6 submissions from 6 submitters: Uncertain significance (6). Last evaluated 2026-01-07.

Conditions:
Cardiomyopathy, dilated, 2E. Identifiers: MedGen C5561970, MONDO:0030366, OMIM 619492.
Hypertrophic cardiomyopathy 17. Identifiers: MedGen C3151264, MONDO:0013474, OMIM 613873.
JPH2-related disorder. Also called: JPH2-related condition.
Cardiovascular phenotype. Identifiers: MedGen CN230736.
Hypertrophic cardiomyopathy. Also called: HYPERTROPHIC MYOCARDIOPATHY. Identifiers: Orphanet 217569, MedGen C0007194, MeSH D002312, MONDO:0005045, HP:0001639.

Allele frequency attached by ClinVar (database versions not stated): gnomAD exomes 0.00003 and 0.00002; ExAC 0.00004; TOPMed 0.00005; gnomAD 0.00003.
gnomAD v4.1: 14 of 1,613,318 alleles (0.00087%); highest among the groups gnomAD compares: Admixed American, 0.022%; no homozygotes.

Submissions (6):

Labcorp Genetics (formerly Invitae), Labcorp
Classification: Uncertain significance for Hypertrophic cardiomyopathy. Last evaluated: 2026-01-07. Review status: criteria provided, single submitter. Criteria: Invitae Variant Classification Sherloc (09022015). Collection method: clinical testing. Allele origin: germline.
Comment: This sequence change replaces asparagine, which is neutral and polar, with histidine, which is basic and polar, at codon 360 of the JPH2 protein (p.Asn360His). This variant is present in population databases (rs747676827, gnomAD 0.02%). This variant has not been reported in the literature in individuals affected with JPH2-related conditions. ClinVar contains an entry for this variant (Variation ID: 419464). An algorithm developed to predict the effect of missense changes on protein structure and function (PolyPhen-2) suggests that this variant is likely to be tolerated. In summary, the available evidence is currently insufficient to determine the role of this variant in disease. Therefore, it has been classified as a Variant of Uncertain Significance.

PreventionGenetics, part of Exact Sciences
Classification: Uncertain significance for JPH2-related condition. Last evaluated: 2025-12-23. Review status: criteria provided, single submitter. Criteria: ACMG Guidelines, 2015. Collection method: clinical testing. Allele origin: germline.
Comment: The JPH2 c.1078A>C variant is predicted to result in the amino acid substitution p.Asn360His. To our knowledge, this variant has not been reported in the literature. This variant is reported in 0.025% of alleles in individuals of Latino descent in gnomAD. At this time, the clinical significance of this variant is uncertain due to the absence of conclusive functional and genetic evidence.

Ambry Genetics
Classification: Uncertain significance for Cardiovascular phenotype. Last evaluated: 2025-07-30. Review status: criteria provided, single submitter. Criteria: Ambry Variant Classification Scheme 2023. Collection method: clinical testing. Allele origin: germline.
Comment: The p.N360H variant (also known as c.1078A>C), located in coding exon 2 of the JPH2 gene, results from an A to C substitution at nucleotide position 1078. The asparagine at codon 360 is replaced by histidine, an amino acid with similar properties. This amino acid position is conserved. In addition, this alteration is predicted to be tolerated by in silico analysis. Based on the available evidence, the clinical significance of this variant remains unclear.

Fulgent Genetics
Classification: Uncertain significance for Hypertrophic cardiomyopathy 17. Last evaluated: 2018-10-31. Review status: criteria provided, single submitter. Criteria: ACMG Guidelines, 2015. Collection method: clinical testing. Allele origin: unknown.

GeneDx
Classification: Uncertain significance. Last evaluated: 2017-03-13. Review status: criteria provided, single submitter. Criteria: GeneDx Variant Classification (06012015). Collection method: clinical testing. Allele origin: germline. Affected: yes.
Comment: A variant of uncertain significance has been identified in the JPH2 gene. The N360H variant has not been published as pathogenic or been reported as benign to our knowledge. This variant has been observed in 5/11412 (0.04%) alleles from individuals of Latino background in large population cohorts (Lek et al., 2016; 1000 Genomes Consortium et al., 2015; Exome Variant Server). Additionally, this substitution occurs at a position that is not conserved across species and in silico analysis predicts this variant likely does not alter the protein structure/function. Nevertheless, the N360H variant is a semi-conservative amino acid substitution, which may impact secondary protein structure as these residues differ in some properties.

Center for Genomics, Ann and Robert H. Lurie Children's Hospital of Chicago
Classification: Uncertain significance for Cardiomyopathy, dilated, 2E; Hypertrophic cardiomyopathy 17. Review status: criteria provided, single submitter. Criteria: ACMG Guidelines, 2015. Collection method: clinical testing. Allele origin: germline.
Comment: JPH2 NM_020433.4 exon 2 p.Asn360His (c.1078A>C): This variant has not been reported in the literature but is present in 0.02% (9/35400) of Latino alleles in the Genome Aggregation Database. This variant is present in ClinVar (Variation ID:419464). Evolutionary conservation and computational predictive tools suggest that this variant may not impact the protein. In summary, data on this variant is insufficient for disease classification. Therefore, the clinical significance of this variant is uncertain.

NM_020433.5(JPH2):c.1078A>C (p.Asn360His)

Gene: JPH2 (junctophilin 2; minus strand). Cytogenetic location: 20q13.12.
Variant type: single nucleotide variant.
Coding change: c.1078A>C on transcript NM_020433.5 (MANE Select); coding-DNA position 1078, A replaced by C.
Protein change: p.Asn360His; replaces asparagine 360 with histidine.
Molecular consequence: missense variant.
Genome position (GRCh38, 1-based): chr20:44,159,709, T>G on the plus strand (A>C on the coding strand, the complement: JPH2 is on the minus strand). VCF-style: chr20-44159709-T-G. GRCh37 (hg19) VCF-style: chr20-42788349-T-G.
Other names: short protein forms N360H.
Identifiers: ClinVar variation 419464 (VCV000419464.12), dbSNP rs747676827, ClinGen allele CA9868757.